The following is an entry in ClinVar:

ClinVar aggregate classification (germline): Uncertain significance. Review status: criteria provided, single submitter (1 of 4 stars). 2 submissions from 2 submitters: Uncertain significance (1). 1 of the submissions does not count toward it. Last evaluated 2022-08-09.

Conditions:
Neu-Laxova syndrome 2. Identifiers: Orphanet 2671, Orphanet 583602, MedGen C4015019, MONDO:0014466, OMIM 616038.

Allele frequency attached by ClinVar (database versions not stated): TOPMed 0.00006; 1000 Genomes Project 30x 0.00016; 1000 Genomes Project 0.00020.
gnomAD v4.1: 42 of 1,613,416 alleles (0.0026%); highest among the groups gnomAD compares: East Asian, 0.0045%; no homozygotes.

Submissions (2):

Labcorp Genetics (formerly Invitae), Labcorp
Classification: Uncertain significance for Neu-Laxova syndrome 2. Last evaluated: 2022-08-09. Review status: criteria provided, single submitter. Criteria: Invitae Variant Classification Sherloc (09022015). Collection method: clinical testing. Allele origin: germline.
Comment: This variant has not been reported in the literature in individuals affected with PSAT1-related conditions. This variant is present in population databases (rs199619145, gnomAD 0.005%). This sequence change replaces alanine, which is neutral and non-polar, with serine, which is neutral and polar, at codon 153 of the PSAT1 protein (p.Ala153Ser). In summary, the available evidence is currently insufficient to determine the role of this variant in disease. Therefore, it has been classified as a Variant of Uncertain Significance. Experimental studies are conflicting or provide insufficient evidence to determine the effect of this variant on PSAT1 function (PMID: 32077105). Algorithms developed to predict the effect of missense changes on protein structure and function (SIFT, PolyPhen-2, Align-GVGD) all suggest that this variant is likely to be tolerated. ClinVar contains an entry for this variant (Variation ID: 976889).

Dudley Research Group, Pacific Northwest Research Institute
No classification provided. Review status: no classification provided. Collection method: research, in vivo. Allele origin: unknown, not applicable. Functional consequence: functionally_normal. Not counted in ClinVar's aggregate classification.

Literature cited by the submitters: PubMed 32077105 (cited by Labcorp Genetics (formerly Invitae), Labcorp).

NM_058179.4(PSAT1):c.457G>T (p.Ala153Ser)

Gene: PSAT1 (phosphoserine aminotransferase 1; plus strand). Cytogenetic location: 9q21.2.
Variant type: single nucleotide variant.
Coding change: c.457G>T on transcript NM_058179.4 (MANE Select); coding-DNA position 457, G replaced by T.
Protein change: p.Ala153Ser; replaces alanine 153 with serine.
Molecular consequence: missense variant.
Genome position (GRCh38, 1-based): chr9:78,306,373, G>T. VCF-style: chr9-78306373-G-T. GRCh37 (hg19) VCF-style: chr9-80921289-G-T.
Other names: c.457G>T, p.Ala153Ser (NM_021154.5); short protein forms A153S.
Identifiers: ClinVar variation 976889 (VCV000976889.8), dbSNP rs199619145, ClinGen allele CA5095633.
Genomic context (GRCh38, chr9:78,306,373, plus strand): 5'-GAAATTCCAGATCCAAGCACCTGGAACCTCAACCCAGATGCCTCCTACGTGTATTATTGC[G>T]CAAATGAGACGGTGCATGGTGTGGAGTTTGACTTTATACCCGATGTCAAGGGAGCAGTAC-3'
Protein context (NP_478059.1, residues 143-163): NPDASYVYYC[Ala153Ser]NETVHGVEFD